The following is an entry in ClinVar:

ClinVar aggregate classification (germline): Likely benign (1 of 4 stars; one submission).

Conditions:
SIM1-related disorder. Also called: SIM1-related condition; SIM1-related disorders.

gnomAD v4.1: 9 of 1,607,706 alleles (0.00056%); highest among the groups gnomAD compares: Non-Finnish European, 0.00077%; no homozygotes.

Submission:

PreventionGenetics, part of Exact Sciences
Classification: Likely benign for SIM1-related condition. Last evaluated: 2024-12-31. Review status: criteria provided, single submitter. Criteria: ACMG Guidelines, 2015. Collection method: clinical testing. Allele origin: germline.
Comment: This variant is classified as likely benign based on ACMG/AMP sequence variant interpretation guidelines (Richards et al. 2015 PMID: 25741868, with internal and published modifications).

NM_005068.3(SIM1):c.171A>T (p.Pro57=)

Gene: SIM1 (SIM bHLH transcription factor 1; minus strand). Cytogenetic location: 6q16.3.
Variant type: single nucleotide variant.
Coding change: c.171A>T on transcript NM_005068.3 (MANE Select); coding-DNA position 171, A replaced by T.
Protein change: p.Pro57=; no amino-acid change (proline 57 retained).
Molecular consequence: synonymous variant.
Genome position (GRCh38, 1-based): chr6:100,463,298, T>A on the plus strand (A>T on the coding strand, the complement: SIM1 is on the minus strand). VCF-style: chr6-100463298-T-A. GRCh37 (hg19) VCF-style: chr6-100911174-T-A.
Other names: c.171A>T, p.Pro57= (NM_001374769.1).
Identifiers: ClinVar variation 4977455 (VCV004977455.1).
Genomic context (GRCh38, chr6:100,463,298, plus strand): 5'-TGGCAAATCCCCGGCCCCTTCTGCCTTTGAAATTCCATCTGGGCAAAGTCACTTACCTTC[T>A]GGGAACACCACTCTCATTTTGAGATAGCTGGTCGTGAGTCTGATTATGGATGCTTTGTCC-3'
Protein context (NP_005059.2, residues 47-67): TSYLKMRVVF[Pro57=]EGLGEAWGHS